The following is an entry in ClinVar:

ClinVar aggregate classification (germline): Pathogenic (1 of 4 stars; one submission).

Submission:

Labcorp Genetics (formerly Invitae), Labcorp
Classification: Pathogenic. Last evaluated: 2022-08-22. Review status: criteria provided, single submitter. Criteria: Invitae Variant Classification Sherloc (09022015). Collection method: clinical testing. Allele origin: germline.
Comment: For these reasons, this variant has been classified as Pathogenic. This premature translational stop signal has been observed in individual(s) with autosomal recessive HR-related conditions (PMID: 18709303). This variant is present in population databases (rs764066541, gnomAD 0.003%). This sequence change creates a premature translational stop signal (p.Ser388Metfs*10) in the HR gene. It is expected to result in an absent or disrupted protein product. Loss-of-function variants in HR are known to be pathogenic (PMID: 17869066, 18164595).

Literature cited by the submitters: PubMed 18709303; PubMed 17869066; PubMed 18164595.

NM_005144.5(HR):c.1146_1161dup (p.Ser388fs)

Gene: HR (HR lysine demethylase and nuclear receptor corepressor; minus strand). Cytogenetic location: 8p21.3.
Variant type: Duplication.
Coding change: c.1146_1161dup on transcript NM_005144.5 (MANE Select); coding-DNA positions 1146 to 1161, 16 bases duplicated (ATGGCTCACACGGCAC).
Protein change: p.Ser388fs; shifts the reading frame from serine 388.
Molecular consequence: frameshift variant.
Genome position (GRCh38, 1-based): chr8:22,127,281-22,127,296, GTGCCGTGTGAGCCAT duplicated on the plus strand (ATGGCTCACACGGCAC on the coding strand, the reverse complement: HR is on the minus strand); duplicating any 16 consecutive bases within chr8:22,127,281-22,127,298 gives the same sequence; the c. name uses the placement nearest the transcript's 3' end. VCF-style (leftmost placement, unchanged base first): chr8-22127280-A-AGTGCCGTGTGAGCCAT. GRCh37 (hg19) VCF-style: chr8-21984793-A-AGTGCCGTGTGAGCCAT.
Other names: c.1146_1161dup, p.Ser388fs (NM_018411.4); short protein forms S388fs.
Identifiers: ClinVar variation 2136648 (VCV002136648.4), dbSNP rs764066541, ClinGen allele CA4662560.